The following is an entry in ClinVar:

ClinVar aggregate classification (germline): Uncertain significance. Review status: criteria provided, multiple submitters, no conflicts (2 of 4 stars). 2 submissions from 2 submitters: Uncertain significance (2). Last evaluated 2022-10-28.

Conditions:
Hereditary cancer-predisposing syndrome. Also called: Hereditary Cancer Syndrome; Hereditary neoplastic syndrome; Neoplastic Syndromes, Hereditary; Tumor predisposition. Identifiers: Orphanet 140162, MedGen C0027672, MeSH D009386, MONDO:0015356.
Oligodontia-cancer predisposition syndrome. Also called: TOOTH AGENESIS-COLORECTAL CANCER SYNDROME. Identifiers: Orphanet 300576, MedGen C1837750, MONDO:0012075, OMIM 608615. Disease mechanism: loss of function.

Submissions (2):

Ambry Genetics
Classification: Uncertain significance for Hereditary cancer-predisposing syndrome. Last evaluated: 2022-10-28. Review status: criteria provided, single submitter. Criteria: Ambry Variant Classification Scheme 2023. Collection method: clinical testing. Allele origin: germline.
Comment: The p.S146T variant (also known as c.436T>A), located in coding exon 1 of the AXIN2 gene, results from a T to A substitution at nucleotide position 436. The serine at codon 146 is replaced by threonine, an amino acid with similar properties. This amino acid position is conserved. In addition, this alteration is predicted to be tolerated by in silico analysis. Since supporting evidence is limited at this time, the clinical significance of this alteration remains unclear.

Labcorp Genetics (formerly Invitae), Labcorp
Classification: Uncertain significance for Oligodontia-cancer predisposition syndrome. Last evaluated: 2022-08-19. Review status: criteria provided, single submitter. Criteria: Invitae Variant Classification Sherloc (09022015). Collection method: clinical testing. Allele origin: germline.
Comment: In summary, the available evidence is currently insufficient to determine the role of this variant in disease. Therefore, it has been classified as a Variant of Uncertain Significance. This sequence change replaces serine, which is neutral and polar, with threonine, which is neutral and polar, at codon 146 of the AXIN2 protein (p.Ser146Thr). This variant is not present in population databases (gnomAD no frequency). This variant has not been reported in the literature in individuals affected with AXIN2-related conditions. Algorithms developed to predict the effect of missense changes on protein structure and function are either unavailable or do not agree on the potential impact of this missense change (SIFT: "Tolerated"; PolyPhen-2: "Possibly Damaging"; Align-GVGD: "Class C0").

NM_004655.4(AXIN2):c.436T>A (p.Ser146Thr)

Gene: AXIN2 (axin 2; minus strand). Cytogenetic location: 17q24.1.
Variant type: single nucleotide variant.
Coding change: c.436T>A on transcript NM_004655.4 (MANE Select); coding-DNA position 436, T replaced by A.
Protein change: p.Ser146Thr; replaces serine 146 with threonine.
Molecular consequence: missense variant.
Genome position (GRCh38, 1-based): chr17:65,558,185, A>T on the plus strand (T>A on the coding strand, the complement: AXIN2 is on the minus strand). VCF-style: chr17-65558185-A-T. GRCh37 (hg19) VCF-style: chr17-63554303-A-T.
Other names: c.436T>A, p.Ser146Thr (NM_001363813.1); short protein forms S146T.
Identifiers: ClinVar variation 1740080 (VCV001740080.7), dbSNP rs2144586079, ClinGen allele CA400681394.